The following is an entry in ClinVar:

ClinVar aggregate classification (germline): Conflicting classifications of pathogenicity. Review status: criteria provided, conflicting classifications (1 of 4 stars). 5 submissions from 5 submitters: Uncertain significance (4); Likely benign (1). Last evaluated 2025-11-25.

Conditions:
Inborn genetic diseases. Identifiers: MedGen C0950123, MeSH D030342.
Perlman syndrome (PRLMNS). Identifiers: Orphanet 2849, MedGen C0796113, MONDO:0009965, OMIM 267000.

Allele frequency attached by ClinVar (database versions not stated): gnomAD exomes 0.00012 and 0.00008; ESP Exome Variant Server 0.00016; ExAC 0.00006; TOPMed 0.00008; gnomAD 0.00009.
gnomAD v4.1: 190 of 1,612,928 alleles (0.012%); highest among the groups gnomAD compares: Non-Finnish European, 0.015%; no homozygotes.

Submissions (5):

Labcorp Genetics (formerly Invitae), Labcorp
Classification: Uncertain significance for Perlman syndrome. Last evaluated: 2025-11-25. Review status: criteria provided, single submitter. Criteria: Invitae Variant Classification Sherloc (09022015). Collection method: clinical testing. Allele origin: germline.
Comment: This sequence change replaces tyrosine, which is neutral and polar, with cysteine, which is neutral and slightly polar, at codon 721 of the DIS3L2 protein (p.Tyr721Cys). This variant is present in population databases (rs371864654, gnomAD 0.01%). This variant has not been reported in the literature in individuals affected with DIS3L2-related conditions. ClinVar contains an entry for this variant (Variation ID: 410772). Invitae Evidence Modeling of protein sequence and biophysical properties (such as structural, functional, and spatial information, amino acid conservation, physicochemical variation, residue mobility, and thermodynamic stability) indicates that this missense variant is not expected to disrupt DIS3L2 protein function with a negative predictive value of 80%. In summary, the available evidence is currently insufficient to determine the role of this variant in disease. Therefore, it has been classified as a Variant of Uncertain Significance.

CeGaT Center for Human Genetics Tuebingen
Classification: Likely benign. Last evaluated: 2025-06-01. Review status: criteria provided, single submitter. Criteria: CeGaT Center For Human Genetics Tuebingen Variant Classification Criteria Version 2. Collection method: clinical testing. Allele origin: germline. Affected: yes. Observed: 1 variant allele.
Comment: DIS3L2: BP4

Fulgent Genetics
Classification: Uncertain significance for Perlman syndrome. Last evaluated: 2024-03-14. Review status: criteria provided, single submitter. Criteria: ACMG Guidelines, 2015. Collection method: clinical testing. Allele origin: germline.

Ambry Genetics
Classification: Uncertain significance for Inborn genetic diseases. Last evaluated: 2023-09-26. Review status: criteria provided, single submitter. Criteria: Ambry Variant Classification Scheme 2023. Collection method: clinical testing. Allele origin: germline.

Sema4
Classification: Uncertain significance for Perlman syndrome. Last evaluated: 2021-09-12. Review status: criteria provided, single submitter. Criteria: Sema4 Curation Guidelines. Collection method: curation. Allele origin: germline.
Comment: The DIS3L2 c.2162A>G (p.Y721C) variant has not been reported in the literature to our knowledge. It was observed in 17/127370 chromosomes of the Non-Finnish European subpopulation in the large and broad cohorts of the Genome Aggregation Database (PMID: 32461654). This variant has been reported in ClinVar (Variation ID: 410772). In silico tools suggest the impact of the variant on protein function is benign, though these predictions have not been confirmed by functional studies. There is no indication that this variant causes disease, but the evidence is insufficient currently to prove that conclusively. Thus, the clinical significance of this variant is currently uncertain.

NM_152383.5(DIS3L2):c.2162A>G (p.Tyr721Cys)

Gene: DIS3L2 (DIS3 like 3'-5' exoribonuclease 2; plus strand). Cytogenetic location: 2q37.1.
Variant type: single nucleotide variant.
Coding change: c.2162A>G on transcript NM_152383.5 (MANE Select); coding-DNA position 2162, A replaced by G.
Protein change: p.Tyr721Cys; replaces tyrosine 721 with cysteine.
Molecular consequence: missense variant. On other transcripts: non-coding transcript variant (2), intron variant (1).
Genome position (GRCh38, 1-based): chr2:232,334,372, A>G. VCF-style: chr2-232334372-A-G. GRCh37 (hg19) VCF-style: chr2-233199082-A-G.
Other names: c.1582-8973A>G (NM_001257281.2); short protein forms Y721C.
Identifiers: ClinVar variation 410772 (VCV000410772.21), dbSNP rs371864654, ClinGen allele CA2164433.